The following is an entry in ClinVar:

ClinVar aggregate classification (germline): Uncertain significance (1 of 4 stars; one submission).

Allele frequency attached by ClinVar (database versions not stated): ExAC 0.00001.
gnomAD v4.1: 5 of 1,614,122 alleles (0.00031%); highest among the groups gnomAD compares: Admixed American, 0.0067%; no homozygotes.

Submission:

Labcorp Genetics (formerly Invitae), Labcorp
Classification: Uncertain significance. Last evaluated: 2023-11-27. Review status: criteria provided, single submitter. Criteria: Invitae Variant Classification Sherloc (09022015). Collection method: clinical testing. Allele origin: germline.
Comment: This sequence change replaces isoleucine, which is neutral and non-polar, with phenylalanine, which is neutral and non-polar, at codon 1553 of the TRPM6 protein (p.Ile1553Phe). This variant is present in population databases (rs768011964, gnomAD 0.009%). This variant has not been reported in the literature in individuals affected with TRPM6-related conditions. ClinVar contains an entry for this variant (Variation ID: 1978620). Algorithms developed to predict the effect of missense changes on protein structure and function output the following: SIFT: "Not Available"; PolyPhen-2: "Benign"; Align-GVGD: "Not Available". The phenylalanine amino acid residue is found in multiple mammalian species, which suggests that this missense change does not adversely affect protein function. In summary, the available evidence is currently insufficient to determine the role of this variant in disease. Therefore, it has been classified as a Variant of Uncertain Significance.

NM_017662.5(TRPM6):c.4657A>T (p.Ile1553Phe)

Gene: TRPM6 (transient receptor potential cation channel subfamily M member 6; minus strand). Cytogenetic location: 9q21.13.
Variant type: single nucleotide variant.
Coding change: c.4657A>T on transcript NM_017662.5 (MANE Select); coding-DNA position 4657, A replaced by T.
Protein change: p.Ile1553Phe; replaces isoleucine 1553 with phenylalanine.
Molecular consequence: missense variant.
Genome position (GRCh38, 1-based): chr9:74,762,014, T>A on the plus strand (A>T on the coding strand, the complement: TRPM6 is on the minus strand). VCF-style: chr9-74762014-T-A. GRCh37 (hg19) VCF-style: chr9-77376930-T-A.
Other names: c.4642A>T, p.Ile1548Phe (NM_001177310.2, NM_001177311.2); short protein forms I1553F, I1548F.
Identifiers: ClinVar variation 1978620 (VCV001978620.4), dbSNP rs768011964, ClinGen allele CA5084077.